The following is an entry in ClinVar:

ClinVar aggregate classification (germline): Likely benign. Review status: criteria provided, multiple submitters, no conflicts (2 of 4 stars). 3 submissions from 3 submitters: Likely benign (3). Last evaluated 2026-01-20.

Conditions:
Hermansky-Pudlak syndrome 5 (HPS5). Identifiers: Orphanet 231512, Orphanet 79430, MedGen C3888004, MONDO:0013557, OMIM 614074.

Allele frequency attached by ClinVar (database versions not stated): gnomAD 0.00001 and 0.00017; TOPMed 0.00002; 1000 Genomes Project 30x 0.00016; 1000 Genomes Project 0.00020; gnomAD exomes 0.00024 and 0.00046; ExAC 0.00060.
gnomAD v4.1: 365 of 1,614,194 alleles (0.023%); highest among the groups gnomAD compares: South Asian, 0.39%; 5 homozygotes.

Submissions (3):

Labcorp Genetics (formerly Invitae), Labcorp
Classification: Likely benign. Last evaluated: 2026-01-20. Review status: criteria provided, single submitter. Criteria: Invitae Variant Classification Sherloc (09022015). Collection method: clinical testing. Allele origin: germline.

Illumina Laboratory Services, Illumina
Classification: Likely benign for Hermansky-Pudlak syndrome 5. Last evaluated: 2018-01-12. Review status: criteria provided, single submitter. Criteria: ICSL Variant Classification Criteria 13 December 2019. Collection method: clinical testing. Allele origin: germline.
Comment: This variant was observed in the ICSL laboratory as part of a predisposition screen in an ostensibly healthy population. It had not been previously curated by ICSL or reported in the Human Gene Mutation Database (HGMD: prior to June 1st, 2018), and was therefore a candidate for classification through an automated scoring system. Utilizing variant allele frequency, disease prevalence and penetrance estimates, and inheritance mode, an automated score was calculated to assess if this variant is too frequent to cause the disease. Based on the score and internal cut-off values, a variant classified as likely benign is not then subjected to further curation. The score for this variant resulted in a classification of likely benign for this disease.

Breakthrough Genomics
Classification: Likely benign. Review status: criteria provided, single submitter. Criteria: ACMG Guidelines, 2015. Collection method: not provided. Allele origin: germline. Inheritance: Autosomal recessive inheritance. Affected: yes.

NM_181507.2(HPS5):c.1037A>G (p.Asn346Ser)

Gene: HPS5 (HPS5 biogenesis of lysosomal organelles complex 2 subunit 2; minus strand). Cytogenetic location: 11p15.1.
Variant type: single nucleotide variant.
Coding change: c.1037A>G on transcript NM_181507.2 (MANE Select); coding-DNA position 1037, A replaced by G.
Protein change: p.Asn346Ser; replaces asparagine 346 with serine.
Molecular consequence: missense variant.
Genome position (GRCh38, 1-based): chr11:18,298,919, T>C on the plus strand (A>G on the coding strand, the complement: HPS5 is on the minus strand). VCF-style: chr11-18298919-T-C. GRCh37 (hg19) VCF-style: chr11-18320466-T-C.
Other names: c.695A>G, p.Asn232Ser (NM_007216.4, NM_181508.2); short protein forms N346S, N232S.
Identifiers: ClinVar variation 879403 (VCV000879403.12), dbSNP rs547880287, ClinGen allele CA5910243.